The following is an entry in ClinVar:

NM_001374353.1(GLI2):c.3379G>A (p.Val1127Met)

Gene: GLI2 (GLI family zinc finger 2; plus strand). Cytogenetic location: 2q14.2.
Variant type: single nucleotide variant.
Coding change: c.3379G>A on transcript NM_001374353.1 (MANE Select); coding-DNA position 3379, G replaced by A.
Protein change: p.Val1127Met; replaces valine 1127 with methionine.
Molecular consequence: missense variant.
Genome position (GRCh38, 1-based): chr2:120,989,344, G>A. VCF-style: chr2-120989344-G-A. GRCh37 (hg19) VCF-style: chr2-121746920-G-A.
Other names: c.3430G>A, p.Val1144Met (NM_001371271.1, NM_005270.5); c.3004G>A, p.Val1002Met (NM_001374354.1); short protein forms V1002M, V1127M, V1144M.
Identifiers: ClinVar variation 1314727 (VCV001314727.2), dbSNP rs1683163107, ClinGen allele CA348174091.

ClinVar aggregate classification (germline): Uncertain significance (1 of 4 stars; one submission).

Submission:

GeneDx
Classification: Uncertain significance. Last evaluated: 2021-04-27. Review status: criteria provided, single submitter. Criteria: GeneDx Variant Classification Process June 2021. Collection method: clinical testing. Allele origin: germline. Affected: yes.
Comment: Not observed in large population cohorts (Lek et al., 2016); In silico analysis supports that this missense variant does not alter protein structure/function; Has not been previously published as pathogenic or benign to our knowledge